The following is an entry in ClinVar:

ClinVar aggregate classification (germline): Uncertain significance (1 of 4 stars; one submission).

Submission:

Labcorp Genetics (formerly Invitae), Labcorp
Classification: Uncertain significance. Last evaluated: 2023-10-13. Review status: criteria provided, single submitter. Criteria: Invitae Variant Classification Sherloc (09022015). Collection method: clinical testing. Allele origin: germline.
Comment: This sequence change replaces glycine, which is neutral and non-polar, with valine, which is neutral and non-polar, at codon 991 of the COL4A3 protein (p.Gly991Val). This variant is not present in population databases (gnomAD no frequency). This variant has not been reported in the literature in individuals affected with COL4A3-related conditions. ClinVar contains an entry for this variant (Variation ID: 1713993). Advanced modeling of protein sequence and biophysical properties (such as structural, functional, and spatial information, amino acid conservation, physicochemical variation, residue mobility, and thermodynamic stability) performed at Invitae indicates that this missense variant is expected to disrupt COL4A3 protein function. In summary, the available evidence is currently insufficient to determine the role of this variant in disease. Therefore, it has been classified as a Variant of Uncertain Significance.

NM_000091.5(COL4A3):c.2972G>T (p.Gly991Val)

Genes: COL4A3 (collagen type IV alpha 3 chain; plus strand), MFF-DT (MFF divergent transcript; minus strand). Cytogenetic location: 2q36.3.
Variant type: single nucleotide variant.
Coding change: c.2972G>T on transcript NM_000091.5 (MANE Select); coding-DNA position 2972, G replaced by T.
Protein change: p.Gly991Val; replaces glycine 991 with valine.
Molecular consequence: missense variant.
Genome position (GRCh38, 1-based): chr2:227,289,240, G>T. VCF-style: chr2-227289240-G-T. GRCh37 (hg19) VCF-style: chr2-228153956-G-T.
Other names: short protein forms G991V.
Identifiers: ClinVar variation 1713993 (VCV001713993.5), dbSNP rs2469816433, ClinGen allele CA350854534.